The following is an entry in ClinVar:

ClinVar aggregate classification (germline): Benign/Likely benign. Review status: criteria provided, multiple submitters, no conflicts (2 of 4 stars). 8 submissions from 7 submitters: Benign (3); Likely benign (5). Last evaluated 2026-01-28.

Conditions:
Connective tissue disorder. Also called: Connective tissue disease. Identifiers: MedGen C0009782, MONDO:0003900.
Lethal Kniest-like syndrome (DDSH). Also called: Dyssegmental Dysplasia. Identifiers: Orphanet 1865, MedGen C1857100, MONDO:0009140, OMIM 224410.
Schwartz-Jampel syndrome. Also called: Myotonic myopathy dwarfism chondrodystrophy and ocular and facial abnormalities. Identifiers: Orphanet 800, MedGen C0036391, MONDO:0009717.

Allele frequency attached by ClinVar (database versions not stated): 1000 Genomes Project 0.00040; 1000 Genomes Project 30x 0.00062; gnomAD exomes 0.00380 and 0.00592; TOPMed 0.00442; gnomAD 0.00451 and 0.00461; ExAC 0.00475; ESP Exome Variant Server 0.00501.
gnomAD v4.1: 9,169 of 1,592,570 alleles (0.58%); highest among the groups gnomAD compares: Non-Finnish European, 0.7%; 34 homozygotes.

Submissions (8):

Labcorp Genetics (formerly Invitae), Labcorp
Classification: Benign. Last evaluated: 2026-01-28. Review status: criteria provided, single submitter. Criteria: Invitae Variant Classification Sherloc (09022015). Collection method: clinical testing. Allele origin: germline.

Athena Diagnostics
Classification: Benign. Last evaluated: 2023-12-08. Review status: criteria provided, single submitter. Criteria: Athena Diagnostics Criteria. Collection method: clinical testing. Allele origin: unknown.

ARUP Laboratories, Molecular Genetics and Genomics, ARUP Laboratories
Classification: Benign. Last evaluated: 2020-05-15. Review status: criteria provided, single submitter. Criteria: ARUP Molecular Germline Variant Investigation Process. Collection method: clinical testing. Allele origin: germline.

Genome Diagnostics Laboratory, The Hospital for Sick Children
Classification: Likely benign for Connective tissue disorder. Last evaluated: 2019-02-01. Review status: criteria provided, single submitter. Criteria: ACMG Guidelines, 2015. Collection method: clinical testing. Allele origin: germline.

Illumina Laboratory Services, Illumina
Classification: Likely benign for Lethal Kniest-like syndrome. Last evaluated: 2018-01-13. Review status: criteria provided, single submitter. Criteria: ICSL Variant Classification Criteria 13 December 2019. Collection method: clinical testing. Allele origin: germline.
Comment: This variant was observed in the ICSL laboratory as part of a predisposition screen in an ostensibly healthy population. It had not been previously curated by ICSL or reported in the Human Gene Mutation Database (HGMD: prior to June 1st, 2018), and was therefore a candidate for classification through an automated scoring system. Utilizing variant allele frequency, disease prevalence and penetrance estimates, and inheritance mode, an automated score was calculated to assess if this variant is too frequent to cause the disease. Based on the score and internal cut-off values, a variant classified as likely benign is not then subjected to further curation. The score for this variant resulted in a classification of likely benign for this disease.

Illumina Laboratory Services, Illumina
Classification: Likely benign for Schwartz-Jampel syndrome type 1. Last evaluated: 2018-01-13. Review status: criteria provided, single submitter. Criteria: ICSL Variant Classification Criteria 13 December 2019. Collection method: clinical testing. Allele origin: germline.
Comment: the same text as in the submission from Illumina Laboratory Services, Illumina above.

Eurofins Ntd Llc (ga)
Classification: Likely benign. Last evaluated: 2015-02-05. Review status: criteria provided, single submitter. Criteria: EGL Classification Definitions 2015. Collection method: clinical testing. Allele origin: germline. Observed: 1 variant allele, 1 heterozygote.

Breakthrough Genomics
Classification: Likely benign. Review status: criteria provided, single submitter. Criteria: ACMG Guidelines, 2015. Collection method: not provided. Allele origin: germline. Inheritance: Autosomal recessive inheritance. Affected: yes.

NM_005529.7(HSPG2):c.1998+9C>T

Gene: HSPG2 (heparan sulfate proteoglycan 2; minus strand). Cytogenetic location: 1p36.12.
Variant type: single nucleotide variant.
Coding change: c.1998+9C>T on transcript NM_005529.7 (MANE Select); 9 bases into the intron after coding-DNA position 1998, C replaced by T.
Molecular consequence: intron variant.
Genome position (GRCh38, 1-based): chr1:21,880,647, G>A on the plus strand (C>T on the coding strand, the complement: HSPG2 is on the minus strand). VCF-style: chr1-21880647-G-A. GRCh37 (hg19) VCF-style: chr1-22207140-G-A.
Other names: c.2001+9C>T (NM_001291860.2).
Identifiers: ClinVar variation 194520 (VCV000194520.31), dbSNP rs377228309, ClinGen allele CA201216.